The following is an entry in ClinVar:

ClinVar aggregate classification (germline): Conflicting classifications of pathogenicity. Review status: criteria provided, conflicting classifications (1 of 4 stars). 3 submissions from 3 submitters: Uncertain significance (2); Likely benign (1). Last evaluated 2025-12-10.

Conditions:
Hereditary cancer-predisposing syndrome. Also called: Tumor predisposition; Neoplastic Syndromes, Hereditary; Hereditary neoplastic syndrome; Hereditary Cancer Syndrome. Identifiers: Orphanet 140162, MedGen C0027672, MeSH D009386, MONDO:0015356.
Familial adenomatous polyposis 1 (FAP1). Also called: POLYPOSIS, ADENOMATOUS INTESTINAL; FAMILIAL ADENOMATOUS POLYPOSIS 1, ATTENUATED. Identifiers: MedGen C2713442, MONDO:0021056, OMIM 175100. Disease mechanism: loss of function.

gnomAD v4.1: 2 of 1,614,080 alleles (0.00012%); highest among the groups gnomAD compares: Non-Finnish European, 0.00017%; no homozygotes.

Submissions (3):

Labcorp Genetics (formerly Invitae), Labcorp
Classification: Uncertain significance for Familial adenomatous polyposis 1. Last evaluated: 2025-12-10. Review status: criteria provided, single submitter. Criteria: Invitae Variant Classification Sherloc (09022015). Collection method: clinical testing. Allele origin: germline.
Comment: This sequence change replaces serine, which is neutral and polar, with asparagine, which is neutral and polar, at codon 1126 of the APC protein (p.Ser1126Asn). This variant is not present in population databases (gnomAD no frequency). This missense change has been observed in individual(s) with pancreatic cancer (PMID: 32255556, 36243179). ClinVar contains an entry for this variant (Variation ID: 630893). Invitae Evidence Modeling of protein sequence and biophysical properties (such as structural, functional, and spatial information, amino acid conservation, physicochemical variation, residue mobility, and thermodynamic stability) indicates that this missense variant is not expected to disrupt APC protein function with a negative predictive value of 95%. In summary, the available evidence is currently insufficient to determine the role of this variant in disease. Therefore, it has been classified as a Variant of Uncertain Significance.

Color Diagnostics, LLC DBA Color Health
Classification: Uncertain significance for Hereditary cancer-predisposing syndrome. Last evaluated: 2025-06-17. Review status: criteria provided, single submitter. Criteria: ACMG Guidelines, 2015. Collection method: clinical testing. Allele origin: germline.
Comment: This missense variant replaces serine with asparagine at codon 1126 of the APC protein. Computational prediction suggests that this variant may not impact protein structure and function. To our knowledge, functional studies have not been reported for this variant. This variant has not been reported in individuals affected with hereditary cancer in the literature. This variant has not been identified in the general population by the Genome Aggregation Database (gnomAD). The available evidence is insufficient to determine the role of this variant in disease conclusively. Therefore, this variant is classified as a Variant of Uncertain Significance.

Ambry Genetics
Classification: Likely benign for Hereditary cancer-predisposing syndrome. Last evaluated: 2020-01-30. Review status: criteria provided, single submitter. Criteria: Ambry Variant Classification Scheme 2023. Collection method: clinical testing. Allele origin: germline.

Literature cited by the submitters: PubMed 32255556 (cited by Labcorp Genetics (formerly Invitae), Labcorp); PubMed 36243179 (cited by Labcorp Genetics (formerly Invitae), Labcorp).

NM_000038.6(APC):c.3377G>A (p.Ser1126Asn)

Gene: APC (APC regulator of Wnt signaling pathway; plus strand). Cytogenetic location: 5q22.2.
Variant type: single nucleotide variant.
Coding change: c.3377G>A on transcript NM_000038.6 (MANE Select); coding-DNA position 3377, G replaced by A.
Protein change: p.Ser1126Asn; replaces serine 1126 with asparagine.
Molecular consequence: missense variant.
Genome position (GRCh38, 1-based): chr5:112,838,971, G>A. VCF-style: chr5-112838971-G-A. GRCh37 (hg19) VCF-style: chr5-112174668-G-A.
Other names: c.2897G>A, p.Ser966Asn (NM_001354905.2); c.2528G>A, p.Ser843Asn (NM_001354906.2); c.3377G>A, p.Ser1126Asn (NM_001127510.3, NM_001354895.2); c.3323G>A, p.Ser1108Asn (NM_001127511.3); c.3431G>A, p.Ser1144Asn (NM_001354896.2); c.3407G>A, p.Ser1136Asn (NM_001354897.2); c.3302G>A, p.Ser1101Asn (NM_001354898.2); c.3293G>A, p.Ser1098Asn (NM_001354899.2); and 5 more; short protein forms S1108N, S1126N, S1035N, S1067N, S1098N, S1144N, S966N, S843N.
Identifiers: ClinVar variation 630893 (VCV000630893.12), dbSNP rs767339739, ClinGen allele CA16028732.